The following is an entry in ClinVar:

NM_001127511.3(APC):c.166-28679G>C

Gene: APC (APC regulator of Wnt signaling pathway; plus strand). Cytogenetic location: 5q22.2.
Variant type: single nucleotide variant.
Coding change: c.166-28679G>C on transcript NM_001127511.3; 28679 bases into the intron before coding-DNA position 166, G replaced by C.
Molecular consequence: intron variant.
Genome position (GRCh38, 1-based): chr5:112,737,647, G>C. VCF-style: chr5-112737647-G-C. GRCh37 (hg19) VCF-style: chr5-112073344-G-C.
Other names: c.-1053-17226G>C (NM_001407470.1, NM_001407472.1); c.-18-17226G>C (NM_001407447.1, NM_001354895.2, NM_001407456.1 and 7 more transcripts); c.166-28679G>C (NM_001407446.1, NM_001354897.2, NM_001354902.2); c.-42-28679G>C (NM_001407453.1).
Identifiers: ClinVar variation 4971645 (VCV004971645.2).

ClinVar aggregate classification (germline): Likely benign. Review status: criteria provided, multiple submitters, no conflicts (2 of 4 stars). 2 submissions from 2 submitters: Likely benign (2). Last evaluated 2026-02-13.

Conditions:
APC-related disorder. Also called: APC-related condition.

Submissions (2):

PreventionGenetics, part of Exact Sciences
Classification: Likely benign for APC-related condition. Last evaluated: 2026-02-13. Review status: criteria provided, single submitter. Criteria: ACMG Guidelines, 2015. Collection method: clinical testing. Allele origin: germline.
Comment: This variant is classified as likely benign based on ACMG/AMP sequence variant interpretation guidelines (Richards et al. 2015 PMID: 25741868, with internal and published modifications).

Blueprint Genetics
Classification: Likely benign. Last evaluated: 2023-11-29. Review status: criteria provided, single submitter. Criteria: ACMG Guidelines, 2015. Collection method: clinical testing. Allele origin: germline.